The following is an entry in ClinVar:

ClinVar aggregate classification (germline): Uncertain significance. Review status: criteria provided, multiple submitters, no conflicts (2 of 4 stars). 2 submissions from 2 submitters: Uncertain significance (2). Last evaluated 2025-11-20.

Conditions:
Inborn genetic diseases. Identifiers: MedGen C0950123, MeSH D030342.

Allele frequency attached by ClinVar (database versions not stated): gnomAD exomes 0.00001; TOPMed below 0.00001; ExAC 0.00001.
gnomAD v4.1: 5 of 1,613,906 alleles (0.00031%); highest among the groups gnomAD compares: Admixed American, 0.0083%; no homozygotes.

Submissions (2):

Ambry Genetics
Classification: Uncertain significance for Inborn genetic diseases. Last evaluated: 2025-11-20. Review status: criteria provided, single submitter. Criteria: Ambry Variant Classification Scheme 2023. Collection method: clinical testing. Allele origin: germline.

Labcorp Genetics (formerly Invitae), Labcorp
Classification: Uncertain significance. Last evaluated: 2022-01-24. Review status: criteria provided, single submitter. Criteria: Invitae Variant Classification Sherloc (09022015). Collection method: clinical testing. Allele origin: germline.
Comment: This sequence change replaces glutamic acid, which is acidic and polar, with valine, which is neutral and non-polar, at codon 121 of the TRAK1 protein (p.Glu121Val). This variant is present in population databases (rs749888857, gnomAD 0.006%). This variant has not been reported in the literature in individuals affected with TRAK1-related conditions. Algorithms developed to predict the effect of missense changes on protein structure and function are either unavailable or do not agree on the potential impact of this missense change (SIFT: "Deleterious"; PolyPhen-2: "Probably Damaging"; Align-GVGD: "Class C15"). In summary, the available evidence is currently insufficient to determine the role of this variant in disease. Therefore, it has been classified as a Variant of Uncertain Significance.

NM_001042646.3(TRAK1):c.362A>T (p.Glu121Val)

Gene: TRAK1 (trafficking kinesin protein 1; plus strand). Cytogenetic location: 3p22.1.
Variant type: single nucleotide variant.
Coding change: c.362A>T on transcript NM_001042646.3 (MANE Select); coding-DNA position 362, A replaced by T.
Protein change: p.Glu121Val; replaces glutamic acid 121 with valine.
Molecular consequence: missense variant. On other transcripts: non-coding transcript variant (1).
Genome position (GRCh38, 1-based): chr3:42,176,889, A>T. VCF-style: chr3-42176889-A-T. GRCh37 (hg19) VCF-style: chr3-42218381-A-T.
Other names: c.362A>T (NM_001042646.1); c.362A>T, p.Glu121Val (NM_001265608.2, NM_001349246.2, NM_001349247.2); c.140A>T, p.Glu47Val (NM_001265609.2, NM_001265610.1, NM_001349248.1 and 1 more transcripts); c.50A>T, p.Glu17Val (NM_001349245.1); c.188A>T, p.Glu63Val (NM_001410741.1, NM_014965.5); short protein forms E121V, E17V, E47V, E63V.
Identifiers: ClinVar variation 2068360 (VCV002068360.5), dbSNP rs749888857, ClinGen allele CA2333064.